The following is an entry in ClinVar:

NM_198578.4(LRRK2):c.3007A>C (p.Lys1003Gln)

Gene: LRRK2 (leucine rich repeat kinase 2; plus strand). Cytogenetic location: 12q12.
Variant type: single nucleotide variant.
Coding change: c.3007A>C on transcript NM_198578.4 (MANE Select); coding-DNA position 3007, A replaced by C.
Protein change: p.Lys1003Gln; replaces lysine 1003 with glutamine.
Molecular consequence: missense variant.
Genome position (GRCh38, 1-based): chr12:40,295,555, A>C. VCF-style: chr12-40295555-A-C. GRCh37 (hg19) VCF-style: chr12-40689357-A-C.
Other names: short protein forms K1003Q.
Identifiers: ClinVar variation 1798751 (VCV001798751.2), dbSNP rs2499729073, ClinGen allele CA384412814.
Genomic context (GRCh38, chr12:40,295,555, plus strand): 5'-TATATTACATCACTAGACCTTTCAGCAAATGAACTAAGAGATATTGATGCCCTAAGCCAG[A>C]AATGCTGTATAAGTGTTCATTTGGAGCATCTTGAAAAGCTGGAGCTTCACCAGAATGCAC-3'
Protein context (NP_940980.4, residues 993-1013): ELRDIDALSQ[Lys1003Gln]CCISVHLEHL

ClinVar aggregate classification (germline): Uncertain significance (1 of 4 stars; one submission).

Conditions:
Inborn genetic diseases. Identifiers: MedGen C0950123, MeSH D030342.

Submission:

Ambry Genetics
Classification: Uncertain significance for Inborn genetic diseases. Last evaluated: 2022-05-02. Review status: criteria provided, single submitter. Criteria: Ambry Variant Classification Scheme 2023. Collection method: clinical testing. Allele origin: germline.
Comment: The p.K1003Q variant (also known as c.3007A>C), located in coding exon 23 of the LRRK2 gene, results from an A to C substitution at nucleotide position 3007. The lysine at codon 1003 is replaced by glutamine, an amino acid with similar properties. This amino acid position is conserved. In addition, this alteration is predicted to be tolerated by in silico analysis. Since supporting evidence is limited at this time, the clinical significance of this alteration remains unclear.